The following is an entry in ClinVar:

ClinVar aggregate classification (germline): Uncertain significance. Review status: criteria provided, multiple submitters, no conflicts (2 of 4 stars). 5 submissions from 5 submitters: Uncertain significance (5). Last evaluated 2025-12-17.

Conditions:
LRP2-related disorder. Also called: LRP2-related condition.
Donnai-Barrow syndrome. Also called: FACIOOCULOACOUSTICORENAL SYNDROME; DBS/FOAR SYNDROME. Identifiers: Orphanet 2143, MedGen C1857277, MONDO:0009104, OMIM 222448.
Inborn genetic diseases. Identifiers: MedGen C0950123, MeSH D030342.

Allele frequency attached by ClinVar (database versions not stated): gnomAD exomes 0.00001 and 0.00002; ExAC 0.00002; gnomAD 0.00003 and 0.00004; TOPMed 0.00004.
gnomAD v4.1: 27 of 1,613,908 alleles (0.0017%); highest among the groups gnomAD compares: African/African-American, 0.025%; no homozygotes.

Submissions (5):

PreventionGenetics, part of Exact Sciences
Classification: Uncertain significance for LRP2-related condition. Last evaluated: 2025-12-17. Review status: criteria provided, single submitter. Criteria: ACMG Guidelines, 2015. Collection method: clinical testing. Allele origin: germline.
Comment: The LRP2 c.12350G>A variant is predicted to result in the amino acid substitution p.Arg4117His. To our knowledge, this variant has not been reported in the literature. This variant is reported in 0.032% of alleles in individuals of African descent in gnomAD. At this time, the clinical significance of this variant is uncertain due to the absence of conclusive functional and genetic evidence.

Ambry Genetics
Classification: Uncertain significance for Inborn genetic diseases. Last evaluated: 2025-04-18. Review status: criteria provided, single submitter. Criteria: Ambry Variant Classification Scheme 2023. Collection method: clinical testing. Allele origin: germline.

Labcorp Genetics (formerly Invitae), Labcorp
Classification: Uncertain significance. Last evaluated: 2024-10-16. Review status: criteria provided, single submitter. Criteria: Invitae Variant Classification Sherloc (09022015). Collection method: clinical testing. Allele origin: germline.
Comment: This sequence change replaces arginine, which is basic and polar, with histidine, which is basic and polar, at codon 4117 of the LRP2 protein (p.Arg4117His). This variant is present in population databases (rs761475630, gnomAD 0.03%). This variant has not been reported in the literature in individuals affected with LRP2-related conditions. ClinVar contains an entry for this variant (Variation ID: 1360124). Invitae Evidence Modeling of protein sequence and biophysical properties (such as structural, functional, and spatial information, amino acid conservation, physicochemical variation, residue mobility, and thermodynamic stability) indicates that this missense variant is expected to disrupt LRP2 protein function with a positive predictive value of 95%. In summary, the available evidence is currently insufficient to determine the role of this variant in disease. Therefore, it has been classified as a Variant of Uncertain Significance.

Fulgent Genetics
Classification: Uncertain significance for Donnai-Barrow syndrome. Last evaluated: 2024-01-05. Review status: criteria provided, single submitter. Criteria: ACMG Guidelines, 2015. Collection method: clinical testing. Allele origin: germline.

Blueprint Genetics
Classification: Uncertain significance. Last evaluated: 2023-12-14. Review status: criteria provided, single submitter. Criteria: ACMG Guidelines, 2015. Collection method: clinical testing. Allele origin: germline.

NM_004525.3(LRP2):c.12350G>A (p.Arg4117His)

Gene: LRP2 (LDL receptor related protein 2; minus strand). Cytogenetic location: 2q31.1.
Variant type: single nucleotide variant.
Coding change: c.12350G>A on transcript NM_004525.3 (MANE Select); coding-DNA position 12350, G replaced by A.
Protein change: p.Arg4117His; replaces arginine 4117 with histidine.
Molecular consequence: missense variant.
Genome position (GRCh38, 1-based): chr2:169,152,910, C>T on the plus strand (G>A on the coding strand, the complement: LRP2 is on the minus strand). VCF-style: chr2-169152910-C-T. GRCh37 (hg19) VCF-style: chr2-170009420-C-T.
Other names: c.12350G>A (NM_004525.2); short protein forms R4117H.
Identifiers: ClinVar variation 1360124 (VCV001360124.9), dbSNP rs761475630, ClinGen allele CA1952824.